The following is an entry in ClinVar:

ClinVar aggregate classification (germline): Uncertain significance. Review status: criteria provided, single submitter (1 of 4 stars). 2 submissions from 2 submitters: Uncertain significance (1). 1 of the submissions does not count toward it. Last evaluated 2025-11-06.

Conditions:
ATP1A1-related disorder. Also called: ATP1A1-related condition.

Allele frequency attached by ClinVar (database versions not stated): gnomAD 0.00001; ExAC 0.00002; TOPMed 0.00003.
gnomAD v4.1: 16 of 1,613,396 alleles (0.00099%); highest among the groups gnomAD compares: Admixed American, 0.0083%; no homozygotes.

Submissions (2):

Labcorp Genetics (formerly Invitae), Labcorp
Classification: Uncertain significance. Last evaluated: 2025-11-06. Review status: criteria provided, single submitter. Criteria: Invitae Variant Classification Sherloc (09022015). Collection method: clinical testing. Allele origin: germline.
Comment: This sequence change falls in intron 3 of the ATP1A1 gene. It does not directly change the encoded amino acid sequence of the ATP1A1 protein. It affects a nucleotide within the consensus splice site. This variant is present in population databases (rs775571228, gnomAD 0.02%). This variant has not been reported in the literature in individuals affected with ATP1A1-related conditions. ClinVar contains an entry for this variant (Variation ID: 1353537). Variants that disrupt the consensus splice site are a relatively common cause of aberrant splicing (PMID: 17576681, 9536098). Algorithms developed to predict the effect of sequence changes on RNA splicing suggest that this variant may disrupt the consensus splice site. In summary, the available evidence is currently insufficient to determine the role of this variant in disease. Therefore, it has been classified as a Variant of Uncertain Significance.

PreventionGenetics, part of Exact Sciences
Classification: Likely benign for ATP1A1-related condition. Last evaluated: 2023-10-20. Review status: no assertion criteria provided. Collection method: clinical testing. Allele origin: germline. Not counted in ClinVar's aggregate classification.
Comment: This variant is classified as likely benign based on ACMG/AMP sequence variant interpretation guidelines (Richards et al. 2015 PMID: 25741868, with internal and published modifications).

Literature cited by the submitters: PubMed 17576681 (cited by Labcorp Genetics (formerly Invitae), Labcorp); PubMed 9536098 (cited by Labcorp Genetics (formerly Invitae), Labcorp).

NM_000701.8(ATP1A1):c.183+3A>G

Gene: ATP1A1 (ATPase Na+/K+ transporting subunit alpha 1; plus strand). Cytogenetic location: 1p13.1.
Variant type: single nucleotide variant.
Coding change: c.183+3A>G on transcript NM_000701.8 (MANE Select); 3 bases into the intron after coding-DNA position 183, A replaced by G.
Molecular consequence: intron variant.
Genome position (GRCh38, 1-based): chr1:116,384,845, A>G. VCF-style: chr1-116384845-A-G. GRCh37 (hg19) VCF-style: chr1-116927467-A-G.
Other names: c.183+3A>G (NM_001160233.2, NM_000701.7); c.90+3A>G (NM_001160234.2).
Identifiers: ClinVar variation 1353537 (VCV001353537.8), dbSNP rs775571228, ClinGen allele CA1025036.